The following is an entry in ClinVar:

NM_025219.3(DNAJC5):c.160G>A (p.Ala54Thr)

Gene: DNAJC5 (DnaJ heat shock protein family (Hsp40) member C5; plus strand). Cytogenetic location: 20q13.33.
Variant type: single nucleotide variant.
Coding change: c.160G>A on transcript NM_025219.3 (MANE Select); coding-DNA position 160, G replaced by A.
Protein change: p.Ala54Thr; replaces alanine 54 with threonine.
Molecular consequence: missense variant.
Genome position (GRCh38, 1-based): chr20:63,929,364, G>A. VCF-style: chr20-63929364-G-A. GRCh37 (hg19) VCF-style: chr20-62560717-G-A.
Other names: c.160G>A (NM_025219.2); short protein forms A54T.
Identifiers: ClinVar variation 1052834 (VCV001052834.10), dbSNP rs202015608, ClinGen allele CA9969660.
Genomic context (GRCh38, chr20:63,929,364, plus strand): 5'-GTTTGCAGGAAGCTTGCCTTGAAATATCACCCCGACAAGAACCCCGACAACCCGGAGGCC[G>A]CGGACAAGTTTAAGGAGATCAACAACGCGCACGCCATCCTCACGGACGCCACAAAAAGGA-3'
Protein context (NP_079495.1, residues 44-64): PDKNPDNPEA[Ala54Thr]DKFKEINNAH

ClinVar aggregate classification (germline): Uncertain significance. Review status: criteria provided, multiple submitters, no conflicts (2 of 4 stars). 2 submissions from 2 submitters: Uncertain significance (2). Last evaluated 2025-04-24.

Conditions:
Inborn genetic diseases. Identifiers: MedGen C0950123, MeSH D030342.
Neuronal ceroid lipofuscinosis. Also called: Neuronal Ceroid Lipofuscinoses. Identifiers: Orphanet 216, Orphanet 79263, MedGen C0027877, MONDO:0016295. Disease mechanism: loss of function.

Allele frequency attached by ClinVar (database versions not stated): ExAC 0.00001; gnomAD 0.00001 and 0.00002; gnomAD exomes 0.00001 and 0.00003; TOPMed 0.00002; 1000 Genomes Project 30x 0.00016; 1000 Genomes Project 0.00020.
gnomAD v4.1: 52 of 1,614,156 alleles (0.0032%); highest among the groups gnomAD compares: South Asian, 0.0044%; no homozygotes.

Submissions (2):

Ambry Genetics
Classification: Uncertain significance for Inborn genetic diseases. Last evaluated: 2025-04-24. Review status: criteria provided, single submitter. Criteria: Ambry Variant Classification Scheme 2023. Collection method: clinical testing. Allele origin: germline.

Labcorp Genetics (formerly Invitae), Labcorp
Classification: Uncertain significance for Neuronal ceroid lipofuscinosis. Last evaluated: 2024-01-14. Review status: criteria provided, single submitter. Criteria: Invitae Variant Classification Sherloc (09022015). Collection method: clinical testing. Allele origin: germline.
Comment: This sequence change replaces alanine, which is neutral and non-polar, with threonine, which is neutral and polar, at codon 54 of the DNAJC5 protein (p.Ala54Thr). This variant is present in population databases (rs202015608, gnomAD 0.004%). This variant has not been reported in the literature in individuals affected with DNAJC5-related conditions. ClinVar contains an entry for this variant (Variation ID: 1052834). An algorithm developed to predict the effect of missense changes on protein structure and function (PolyPhen-2) suggests that this variant is likely to be tolerated. In summary, the available evidence is currently insufficient to determine the role of this variant in disease. Therefore, it has been classified as a Variant of Uncertain Significance.